The following is an entry in ClinVar:

ClinVar aggregate classification (germline): Benign. Review status: criteria provided, multiple submitters, no conflicts (2 of 4 stars). 2 submissions from 2 submitters: Benign (2). Last evaluated 2018-01-12.

Conditions:
Von Hippel-Lindau syndrome (VHLS). Also called: Von Hippel-Lindau; von Hippel–Lindau syndrome; VHL syndrome. Identifiers: Orphanet 892, MedGen C0019562, MONDO:0008667, OMIM 193300. Disease mechanism: loss of function.

Allele frequency attached by ClinVar (database versions not stated): gnomAD exomes 0.01115; gnomAD 0.11681 and 0.12149; TOPMed 0.12911; 1000 Genomes Project 0.14677; 1000 Genomes Project 30x 0.15334.
gnomAD v4.1: 17,457 of 159,214 alleles (11%); highest among the groups gnomAD compares: African/African-American, 35%; 2,626 homozygotes.

Submissions (2):

Illumina Laboratory Services, Illumina
Classification: Benign for Von Hippel-Lindau syndrome. Last evaluated: 2018-01-12. Review status: criteria provided, single submitter. Criteria: ICSL Variant Classification Criteria 13 December 2019. Collection method: clinical testing. Allele origin: germline.
Comment: This variant was observed in the ICSL laboratory as part of a predisposition screen in an ostensibly healthy population. It had not been previously curated by ICSL or reported in the Human Gene Mutation Database (HGMD: prior to June 1st, 2018), and was therefore a candidate for classification through an automated scoring system. Utilizing variant allele frequency, disease prevalence and penetrance estimates, and inheritance mode, an automated score was calculated to assess if this variant is too frequent to cause the disease. Based on the score and internal cut-off values, a variant classified as benign is not then subjected to further curation. The score for this variant resulted in a classification of benign for this disease.

Breakthrough Genomics
Classification: Benign. Review status: criteria provided, single submitter. Criteria: ACMG Guidelines, 2015. Collection method: not provided. Allele origin: germline. Inheritance: Autosomal recessive inheritance. Affected: yes.

NM_000551.4(VHL):c.*2140C>T

Genes: VHL (von Hippel-Lindau tumor suppressor; plus strand), LOC107303340 (3p25 von Hippel-Lindau tumor suppressor, E3 ubiquitin protein ligase Alu-mediated recombination region; plus strand). Cytogenetic location: 3p25.3.
Variant type: single nucleotide variant.
Coding change: c.*2140C>T on transcript NM_000551.4 (MANE Select); 2140 bases downstream of the stop codon, C replaced by T.
Molecular consequence: 3 prime UTR variant.
Genome position (GRCh38, 1-based): chr3:10,152,105, C>T. VCF-style: chr3-10152105-C-T. GRCh37 (hg19) VCF-style: chr3-10193789-C-T.
Other names: c.*2336C>T (NM_001354723.2); c.*2140C>T (NM_198156.3).
Identifiers: ClinVar variation 342465 (VCV000342465.6), dbSNP rs140614750, ClinGen allele CA10616780.